The following is an entry in ClinVar:

NM_005866.4(SIGMAR1):c.403C>T (p.Gln135Ter)

Gene: SIGMAR1 (sigma receptor chaperone 1; minus strand). Cytogenetic location: 9p13.3.
Variant type: single nucleotide variant.
Coding change: c.403C>T on transcript NM_005866.4 (MANE Select); coding-DNA position 403, C replaced by T.
Protein change: p.Gln135Ter; replaces glutamine 135 with a stop codon.
Molecular consequence: nonsense. On other transcripts: synonymous variant (1), non-coding transcript variant (1), intron variant (2).
Genome position (GRCh38, 1-based): chr9:34,637,039, G>A on the plus strand (C>T on the coding strand, the complement: SIGMAR1 is on the minus strand). VCF-style: chr9-34637039-G-A. GRCh37 (hg19) VCF-style: chr9-34637036-G-A.
Other names: c.403C>T, p.Gln135Ter (NM_001282205.2); c.103C>T, p.Gln35Ter (NM_001282206.2); c.343C>T, p.Gln115Ter (NM_001282207.2); c.426C>T, p.Thr142= (NM_001282208.2); c.305+228C>T (NM_001282209.2); c.352+181C>T (NM_147157.3); short protein forms Q115*, Q135*, Q35*.
Identifiers: ClinVar variation 3748188 (VCV003748188.2).

ClinVar aggregate classification (germline): Pathogenic (1 of 4 stars; one submission).

Conditions:
Autosomal recessive distal spinal muscular atrophy 2. Also called: NEURONOPATHY, DISTAL HEREDITARY MOTOR, JERASH TYPE; NEUROPATHY, DISTAL HEREDITARY MOTOR, JERASH TYPE; SPINAL MUSCULAR ATROPHY, JERASH TYPE; Hereditary motor neuropathy, Jerash type; Motor neuropathy, distal, Jerash type; NEUROPATHY, DISTAL HEREDITARY MOTOR, AUTOSOMAL RECESSIVE 2. Identifiers: Orphanet 139552, MedGen C1854023, MONDO:0011585, OMIM 605726.
Amyotrophic lateral sclerosis type 16. Also called: AMYOTROPHIC LATERAL SCLEROSIS 16, JUVENILE. Identifiers: Orphanet 300605, MedGen C3280587, MONDO:0013715, OMIM 614373.

Submission:

Labcorp Genetics (formerly Invitae), Labcorp
Classification: Pathogenic for Autosomal recessive distal spinal muscular atrophy 2; Amyotrophic lateral sclerosis type 16. Last evaluated: 2024-02-22. Review status: criteria provided, single submitter. Criteria: Invitae Variant Classification Sherloc (09022015). Collection method: clinical testing. Allele origin: germline.
Comment: This sequence change creates a premature translational stop signal (p.Gln135*) in the SIGMAR1 gene. While this is not anticipated to result in nonsense mediated decay, it is expected to disrupt the last 89 amino acid(s) of the SIGMAR1 protein. This variant is not present in population databases (gnomAD no frequency). This variant has not been reported in the literature in individuals affected with SIGMAR1-related conditions. This variant disrupts a region of the SIGMAR1 protein in which other variant(s) (p.Asn167Ile) have been determined to be pathogenic (PMID: 31511340). This suggests that this is a clinically significant region of the protein, and that variants that disrupt it are likely to be disease-causing. For these reasons, this variant has been classified as Pathogenic.

Literature cited by the submitters: PubMed 31511340.